The following is an entry in ClinVar:

ClinVar aggregate classification (germline): Uncertain significance. Review status: criteria provided, multiple submitters, no conflicts (2 of 4 stars). 2 submissions from 2 submitters: Uncertain significance (2). Last evaluated 2024-08-27.

Conditions:
Early-onset Lafora body disease. Also called: Epilepsy, progressive myoclonic, 10. Identifiers: Orphanet 324290, MedGen C4225258, MONDO:0014717, OMIM 616640.

Allele frequency attached by ClinVar (database versions not stated): gnomAD 0.00002; gnomAD exomes 0.00002; TOPMed 0.00002.
gnomAD v4.1: 77 of 1,536,094 alleles (0.005%); highest among the groups gnomAD compares: Non-Finnish European, 0.0065%; no homozygotes.

Submissions (2):

Ambry Genetics
Classification: Uncertain significance. Last evaluated: 2024-08-27. Review status: criteria provided, single submitter. Criteria: Ambry Variant Classification Scheme 2023. Collection method: clinical testing. Allele origin: germline.

Labcorp Genetics (formerly Invitae), Labcorp
Classification: Uncertain significance for Early-onset Lafora body disease. Last evaluated: 2021-08-27. Review status: criteria provided, single submitter. Criteria: Invitae Variant Classification Sherloc (09022015). Collection method: clinical testing. Allele origin: germline.
Comment: This sequence change replaces glycine with serine at codon 359 of the PRDM8 protein (p.Gly359Ser). The glycine residue is moderately conserved and there is a small physicochemical difference between glycine and serine. The frequency data for this variant in the population databases is considered unreliable, as metrics indicate insufficient coverage at this position in the ExAC database. This variant has not been reported in the literature in individuals affected with PRDM8-related conditions. Algorithms developed to predict the effect of missense changes on protein structure and function are either unavailable or do not agree on the potential impact of this missense change (SIFT: "Deleterious"; PolyPhen-2: "Benign"; Align-GVGD: "Class C0"). In summary, the available evidence is currently insufficient to determine the role of this variant in disease. Therefore, it has been classified as a Variant of Uncertain Significance.

NM_001099403.2(PRDM8):c.1075G>A (p.Gly359Ser)

Gene: PRDM8 (PR/SET domain 8; plus strand). Cytogenetic location: 4q21.21.
Variant type: single nucleotide variant.
Coding change: c.1075G>A on transcript NM_001099403.2 (MANE Select); coding-DNA position 1075, G replaced by A.
Protein change: p.Gly359Ser; replaces glycine 359 with serine.
Molecular consequence: missense variant.
Genome position (GRCh38, 1-based): chr4:80,202,537, G>A. VCF-style: chr4-80202537-G-A. GRCh37 (hg19) VCF-style: chr4-81123691-G-A.
Other names: c.1075G>A, p.Gly359Ser (NM_020226.4); short protein forms G359S.
Identifiers: ClinVar variation 643837 (VCV000643837.9), dbSNP rs1369436425, ClinGen allele CA357398081.